The following is an entry in ClinVar:

ClinVar aggregate classification (germline): Likely benign (1 of 4 stars; one submission).

Conditions:
RPGRIP1L-related disorder. Also called: RPGRIP1L-related disorders; RPGRIP1L-related condition. Identifiers: MedGen CN239416.

gnomAD v4.1: 1 of 1,613,134 alleles (0.000062%); highest among the groups gnomAD compares: Admixed American, 0.0017%; no homozygotes.

Submission:

PreventionGenetics, part of Exact Sciences
Classification: Likely benign for RPGRIP1L-related condition. Last evaluated: 2025-06-13. Review status: criteria provided, single submitter. Criteria: ACMG Guidelines, 2015. Collection method: clinical testing. Allele origin: germline.
Comment: This variant is classified as likely benign based on ACMG/AMP sequence variant interpretation guidelines (Richards et al. 2015 PMID: 25741868, with internal and published modifications).

NM_015272.5(RPGRIP1L):c.969A>G (p.Lys323=)

Gene: RPGRIP1L (RPGRIP1 like; minus strand). Cytogenetic location: 16q12.2.
Variant type: single nucleotide variant.
Coding change: c.969A>G on transcript NM_015272.5 (MANE Select); coding-DNA position 969, A replaced by G.
Protein change: p.Lys323=; no amino-acid change (lysine 323 retained).
Molecular consequence: synonymous variant.
Genome position (GRCh38, 1-based): chr16:53,672,930, T>C on the plus strand (A>G on the coding strand, the complement: RPGRIP1L is on the minus strand). VCF-style: chr16-53672930-T-C. GRCh37 (hg19) VCF-style: chr16-53706842-T-C.
Other names: c.969A>G, p.Lys323= (NM_001127897.4, NM_001308334.3, NM_001330538.2).
Identifiers: ClinVar variation 5000995 (VCV005000995.1).